The following is an entry in ClinVar:

ClinVar aggregate classification (germline): Likely benign. Review status: criteria provided, multiple submitters, no conflicts (2 of 4 stars). 6 submissions from 6 submitters: Likely benign (4). 2 of the submissions do not count toward it. Last evaluated 2026-01-26.

Allele frequency attached by ClinVar (database versions not stated): ExAC 0.00023; gnomAD 0.00024; 1000 Genomes Project 30x 0.00031; 1000 Genomes Project 0.00040; ESP Exome Variant Server 0.00008; TOPMed 0.00016; gnomAD exomes 0.00019.
gnomAD v4.1: 250 of 1,382,222 alleles (0.018%); highest among the groups gnomAD compares: Non-Finnish European, 0.021%; no homozygotes.

Submissions (6):

Labcorp Genetics (formerly Invitae), Labcorp
Classification: Likely benign. Last evaluated: 2026-01-26. Review status: criteria provided, single submitter. Criteria: Invitae Variant Classification Sherloc (09022015). Collection method: clinical testing. Allele origin: germline.

Laboratory of Genetics, Children's Clinical University Hospital Latvia
Classification: Likely benign. Last evaluated: 2025-02-16. Review status: criteria provided, single submitter. Criteria: ACMG Guidelines, 2015. Collection method: clinical testing. Allele origin: germline. Affected: yes.

CeGaT Center for Human Genetics Tuebingen
Classification: Likely benign. Last evaluated: 2025-02-01. Review status: criteria provided, single submitter. Criteria: CeGaT Center For Human Genetics Tuebingen Variant Classification Criteria Version 2. Collection method: clinical testing. Allele origin: germline. Affected: yes. Observed: 2 variant alleles.
Comment: FAT4: BP4, BP7

Blueprint Genetics
Classification: Likely benign. Last evaluated: 2024-10-28. Review status: criteria provided, single submitter. Criteria: ACMG Guidelines, 2015. Collection method: clinical testing. Allele origin: germline.

Clinical Genetics, Academic Medical Center
Classification: Likely benign. Review status: no assertion criteria provided. Collection method: clinical testing. Allele origin: germline. Affected: yes. Study: VKGL Data-share Consensus. Not counted in ClinVar's aggregate classification.

Laboratory of Diagnostic Genome Analysis, Leiden University Medical Center (LUMC)
Classification: Likely benign. Review status: no assertion criteria provided. Collection method: clinical testing. Allele origin: germline. Affected: yes. Study: VKGL Data-share Consensus. Not counted in ClinVar's aggregate classification.

NM_001291303.3(FAT4):c.12321T>C (p.Asn4107=)

Gene: FAT4 (FAT atypical cadherin 4; plus strand). Cytogenetic location: 4q28.1.
Variant type: single nucleotide variant.
Coding change: c.12321T>C on transcript NM_001291303.3 (MANE Select); coding-DNA position 12321, T replaced by C.
Protein change: p.Asn4107=; no amino-acid change (asparagine 4107 retained).
Molecular consequence: synonymous variant.
Genome position (GRCh38, 1-based): chr4:125,477,176, T>C. VCF-style: chr4-125477176-T-C. GRCh37 (hg19) VCF-style: chr4-126398331-T-C.
Other names: c.12321T>C, p.Asn4107= (NM_001291285.3); c.12315T>C, p.Asn4105= (NM_024582.6).
Identifiers: ClinVar variation 747207 (VCV000747207.31), dbSNP rs200344963, ClinGen allele CA3074069.